The following is an entry in ClinVar:

ClinVar aggregate classification (germline): Uncertain significance. Review status: criteria provided, multiple submitters, no conflicts (2 of 4 stars). 2 submissions from 2 submitters: Uncertain significance (2). Last evaluated 2025-11-01.

Conditions:
Hyperkalemic periodic paralysis. Also called: Gamstorp disease; Familial hyperkalemic periodic paralysis. Identifiers: Orphanet 682, MedGen C0238357, MONDO:0008224, OMIM 170500, HP:0007215.

Allele frequency attached by ClinVar (database versions not stated): ExAC 0.00002; ESP Exome Variant Server 0.00008.
gnomAD v4.1: 5 of 1,613,854 alleles (0.00031%); highest among the groups gnomAD compares: Non-Finnish European, 0.00034%; no homozygotes.

Submissions (2):

CeGaT Center for Human Genetics Tuebingen
Classification: Uncertain significance. Last evaluated: 2025-11-01. Review status: criteria provided, single submitter. Criteria: CeGaT Center For Human Genetics Tuebingen Variant Classification Criteria Version 2. Collection method: clinical testing. Allele origin: germline. Affected: yes. Observed: 1 variant allele.

Labcorp Genetics (formerly Invitae), Labcorp
Classification: Uncertain significance for Hyperkalemic periodic paralysis. Last evaluated: 2025-01-18. Review status: criteria provided, single submitter. Criteria: Invitae Variant Classification Sherloc (09022015). Collection method: clinical testing. Allele origin: germline.
Comment: This sequence change replaces valine, which is neutral and non-polar, with methionine, which is neutral and non-polar, at codon 127 of the SCN4A protein (p.Val127Met). This variant is present in population databases (rs369830835, gnomAD 0.003%). This variant has not been reported in the literature in individuals affected with SCN4A-related conditions. ClinVar contains an entry for this variant (Variation ID: 2914402). Invitae Evidence Modeling of protein sequence and biophysical properties (such as structural, functional, and spatial information, amino acid conservation, physicochemical variation, residue mobility, and thermodynamic stability) indicates that this missense variant is not expected to disrupt SCN4A protein function with a negative predictive value of 95%. In summary, the available evidence is currently insufficient to determine the role of this variant in disease. Therefore, it has been classified as a Variant of Uncertain Significance.

NM_000334.4(SCN4A):c.379G>A (p.Val127Met)

Gene: SCN4A (sodium voltage-gated channel alpha subunit 4; minus strand). Cytogenetic location: 17q23.3.
Variant type: single nucleotide variant.
Coding change: c.379G>A on transcript NM_000334.4 (MANE Select); coding-DNA position 379, G replaced by A.
Protein change: p.Val127Met; replaces valine 127 with methionine.
Molecular consequence: missense variant.
Genome position (GRCh38, 1-based): chr17:63,972,365, C>T on the plus strand (G>A on the coding strand, the complement: SCN4A is on the minus strand). VCF-style: chr17-63972365-C-T. GRCh37 (hg19) VCF-style: chr17-62049725-C-T.
Other names: short protein forms V127M.
Identifiers: ClinVar variation 2914402 (VCV002914402.9), dbSNP rs369830835, ClinGen allele CA8710192.